The following is an entry in ClinVar:

ClinVar aggregate classification (germline): Benign (1 of 4 stars; one submission).

Allele frequency attached by ClinVar (database versions not stated): 1000 Genomes Project 30x 0.22533; 1000 Genomes Project 0.22843; TOPMed 0.23907; gnomAD 0.24918 and 0.25179; gnomAD exomes 0.30674.
gnomAD v4.1: 298,149 of 1,000,462 alleles (30%); highest among the groups gnomAD compares: Non-Finnish European, 32%; 46,990 homozygotes.

Submission:

GeneDx
Classification: Benign. Last evaluated: 2018-06-14. Review status: criteria provided, single submitter. Criteria: GeneDx Variant Classification (06012015). Collection method: clinical testing. Allele origin: germline. Affected: yes.
Comment: This variant is considered likely benign or benign based on one or more of the following criteria: it is a conservative change, it occurs at a poorly conserved position in the protein, it is predicted to be benign by multiple in silico algorithms, and/or has population frequency not consistent with disease.

NM_002291.3(LAMB1):c.2109+128A>G

Gene: LAMB1 (laminin subunit beta 1; minus strand). Cytogenetic location: 7q31.1.
Variant type: single nucleotide variant.
Coding change: c.2109+128A>G on transcript NM_002291.3 (MANE Select); 128 bases into the intron after coding-DNA position 2109, A replaced by G.
Molecular consequence: intron variant.
Genome position (GRCh38, 1-based): chr7:107,961,078, T>C on the plus strand (A>G on the coding strand, the complement: LAMB1 is on the minus strand). VCF-style: chr7-107961078-T-C. GRCh37 (hg19) VCF-style: chr7-107601523-T-C.
Identifiers: ClinVar variation 682976 (VCV000682976.1), dbSNP rs7788778, ClinGen allele CA12478732.